The following is an entry in ClinVar:

NM_006009.4(TUBA1A):c.862G>C (p.Val288Leu)

Gene: TUBA1A (tubulin alpha 1a; minus strand). Cytogenetic location: 12q13.12.
Variant type: single nucleotide variant.
Coding change: c.862G>C on transcript NM_006009.4 (MANE Select); coding-DNA position 862, G replaced by C.
Protein change: p.Val288Leu; replaces valine 288 with leucine.
Molecular consequence: missense variant.
Genome position (GRCh38, 1-based): chr12:49,185,504, C>G on the plus strand (G>C on the coding strand, the complement: TUBA1A is on the minus strand). VCF-style: chr12-49185504-C-G. GRCh37 (hg19) VCF-style: chr12-49579287-C-G.
Other names: c.862G>C, p.Val288Leu (NM_001270399.2); c.757G>C, p.Val253Leu (NM_001270400.2); short protein forms V253L, V288L.
Identifiers: ClinVar variation 4535324 (VCV004535324.6).

ClinVar aggregate classification (germline): Likely pathogenic (1 of 4 stars; one submission).

Submission:

CeGaT Center for Human Genetics Tuebingen
Classification: Likely pathogenic. Last evaluated: 2026-08-01. Review status: criteria provided, single submitter. Criteria: CeGaT Center For Human Genetics Tuebingen Variant Classification Criteria Version 2. Collection method: clinical testing. Allele origin: germline. Affected: yes. Observed: 1 variant allele.
Comment: TUBA1A: PM2, PS2:Moderate, PP2, PP3